The following is an entry in ClinVar:

ClinVar aggregate classification (germline): Uncertain significance (1 of 4 stars; one submission).

Conditions:
Ehlers-Danlos syndrome, classic type, 1 (EDSCL1). Also called: EHLERS-DANLOS SYNDROME, GRAVIS TYPE; EHLERS-DANLOS SYNDROME, SEVERE CLASSIC TYPE; Ehlers-Danlos syndrome, type 1; Ehlers-Danlos Syndrome, Classic Type, COL5A1-Related; EDS I. Identifiers: MedGen C0268335, MONDO:0019567, OMIM 130000.

Submission:

Labcorp Genetics (formerly Invitae), Labcorp
Classification: Uncertain significance for Ehlers-Danlos syndrome, classic type, 1. Last evaluated: 2024-10-31. Review status: criteria provided, single submitter. Criteria: Invitae Variant Classification Sherloc (09022015). Collection method: clinical testing. Allele origin: germline.
Comment: This sequence change replaces proline, which is neutral and non-polar, with threonine, which is neutral and polar, at codon 789 of the COL5A1 protein (p.Pro789Thr). This variant is not present in population databases (gnomAD no frequency). This variant has not been reported in the literature in individuals affected with COL5A1-related conditions. Invitae Evidence Modeling of protein sequence and biophysical properties (such as structural, functional, and spatial information, amino acid conservation, physicochemical variation, residue mobility, and thermodynamic stability) has been performed for this missense variant. However, the output from this modeling did not meet the statistical confidence thresholds required to predict the impact of this variant on COL5A1 protein function. In summary, the available evidence is currently insufficient to determine the role of this variant in disease. Therefore, it has been classified as a Variant of Uncertain Significance.

NM_000093.5(COL5A1):c.2365C>A (p.Pro789Thr)

Gene: COL5A1 (collagen type V alpha 1 chain; plus strand). Cytogenetic location: 9q34.3.
Variant type: single nucleotide variant.
Coding change: c.2365C>A on transcript NM_000093.5 (MANE Select); coding-DNA position 2365, C replaced by A.
Protein change: p.Pro789Thr; replaces proline 789 with threonine.
Molecular consequence: missense variant.
Genome position (GRCh38, 1-based): chr9:134,774,892, C>A. VCF-style: chr9-134774892-C-A. GRCh37 (hg19) VCF-style: chr9-137666738-C-A.
Other names: c.2365C>A, p.Pro789Thr (NM_001278074.1); short protein forms P789T.
Identifiers: ClinVar variation 3696601 (VCV003696601.2).
Genomic context (GRCh38, chr9:134,774,892, plus strand): 5'-TAACGGTCTTTTTCTGTTTGGTTTTAGGGTCCACCTGGCCCCCAGGGTCCGATTGGCTAC[C>A]CAGGTCCTCGAGGAGTCAAGGTGAGAGAGACTCACGCCACTCCAGGTCGTCCTGGAGGTC-3'
Protein context (NP_000084.3, residues 779-799): PPGPQGPIGY[Pro789Thr]GPRGVKGADG